The following is an entry in ClinVar:

ClinVar aggregate classification (germline): Uncertain significance (1 of 4 stars; one submission).

Submission:

Labcorp Genetics (formerly Invitae), Labcorp
Classification: Uncertain significance. Last evaluated: 2022-03-19. Review status: criteria provided, single submitter. Criteria: Invitae Variant Classification Sherloc (09022015). Collection method: clinical testing. Allele origin: germline.
Comment: This variant is not present in population databases (gnomAD no frequency). This sequence change replaces serine, which is neutral and polar, with phenylalanine, which is neutral and non-polar, at codon 569 of the LAMC3 protein (p.Ser569Phe). This variant has not been reported in the literature in individuals affected with LAMC3-related conditions. Algorithms developed to predict the effect of missense changes on protein structure and function (SIFT, PolyPhen-2, Align-GVGD) all suggest that this variant is likely to be tolerated. In summary, the available evidence is currently insufficient to determine the role of this variant in disease. Therefore, it has been classified as a Variant of Uncertain Significance.

NM_006059.4(LAMC3):c.1706C>T (p.Ser569Phe)

Genes: LAMC3 (laminin subunit gamma 3; plus strand), LOC126860777 (BRD4-independent group 4 enhancer GRCh37_chr9:133927058-133928257; plus strand). Cytogenetic location: 9q34.12.
Variant type: single nucleotide variant.
Coding change: c.1706C>T on transcript NM_006059.4 (MANE Select); coding-DNA position 1706, C replaced by T.
Protein change: p.Ser569Phe; replaces serine 569 with phenylalanine.
Molecular consequence: missense variant.
Genome position (GRCh38, 1-based): chr9:131,052,566, C>T. VCF-style: chr9-131052566-C-T. GRCh37 (hg19) VCF-style: chr9-133927953-C-T.
Other names: short protein forms S569F.
Identifiers: ClinVar variation 2114748 (VCV002114748.4), dbSNP rs2133281174, ClinGen allele CA375263919.